The following is an entry in ClinVar:

NM_020822.3(KCNT1):c.1988A>G (p.His663Arg)

Gene: KCNT1 (potassium sodium-activated channel subfamily T member 1; plus strand). Cytogenetic location: 9q34.3.
Variant type: single nucleotide variant.
Coding change: c.1988A>G on transcript NM_020822.3 (MANE Select); coding-DNA position 1988, A replaced by G.
Protein change: p.His663Arg; replaces histidine 663 with arginine.
Molecular consequence: missense variant.
Genome position (GRCh38, 1-based): chr9:135,771,075, A>G. VCF-style: chr9-135771075-A-G. GRCh37 (hg19) VCF-style: chr9-138662921-A-G.
Other names: c.1853A>G, p.His618Arg (NM_001272003.2); short protein forms H663R, H618R.
Identifiers: ClinVar variation 833935 (VCV000833935.11), dbSNP rs1285595185, ClinGen allele CA375508833.

ClinVar aggregate classification (germline): Conflicting classifications of pathogenicity. Review status: criteria provided, conflicting classifications (1 of 4 stars). 2 submissions from 2 submitters: Uncertain significance (1); Likely benign (1). Last evaluated 2026-03-10.

Conditions:
Autosomal dominant nocturnal frontal lobe epilepsy 5. Also called: CILIARY DYSKINESIA, PRIMARY, 28, WITHOUT SITUS INVERSUS; KCNT1-Related Epilepsy; CILIARY DYSKINESIA, PRIMARY, 28, WITH SITUS INVERSUS; Epilepsy, nocturnal frontal lobe, 5. Identifiers: Orphanet 98784, MedGen C3554306, MONDO:0014002, OMIM 615005.
Developmental and epileptic encephalopathy, 14 (DEE14). Also called: Early infantile epileptic encephalopathy 14. Identifiers: Orphanet 293181, MedGen C3554195, MONDO:0013989, OMIM 614959.

Allele frequency attached by ClinVar (database versions not stated): gnomAD 0.00001; TOPMed 0.00001.
gnomAD v4.1: 1 of 1,611,598 alleles (0.000062%); highest among the groups gnomAD compares: Admixed American, 0.0017%; no homozygotes.

Submissions (2):

Women's Health and Genetics/Laboratory Corporation of America, LabCorp
Classification: Uncertain significance. Last evaluated: 2026-03-10. Review status: criteria provided, single submitter. Criteria: LabCorp Variant Classification Summary - May 2015. Collection method: clinical testing. Allele origin: germline.
Comment: Variant summary: KCNT1 c.1988A>G (p.His663Arg) results in a non-conservative amino acid change in the encoded protein sequence. Algorithms developed to predict the effect of missense changes on protein structure and function are either unavailable or do not agree on the potential impact of this missense change. The variant was absent in 241790 control chromosomes. The available data on variant occurrences in the general population are insufficient to allow any conclusion about variant significance. To our knowledge, no occurrence of c.1988A>G in individuals affected with KCNT1-related conditions and no experimental evidence demonstrating its impact on protein function have been reported. ClinVar contains an entry for this variant (Variation ID: 833935). Based on the evidence outlined above, the variant was classified as uncertain significance.

Labcorp Genetics (formerly Invitae), Labcorp
Classification: Likely benign for Autosomal dominant nocturnal frontal lobe epilepsy 5; Developmental and epileptic encephalopathy, 14. Last evaluated: 2019-03-14. Review status: criteria provided, single submitter. Criteria: Invitae Variant Classification Sherloc (09022015). Collection method: clinical testing. Allele origin: germline.